The following is an entry in ClinVar:

ClinVar aggregate classification (germline): Conflicting classifications of pathogenicity. Review status: criteria provided, conflicting classifications (1 of 4 stars). 2 submissions from 2 submitters: Uncertain significance (1); Likely benign (1). Last evaluated 2026-03-16.

Allele frequency attached by ClinVar (database versions not stated): gnomAD exomes below 0.00001; ExAC 0.00001.
gnomAD v4.1: 4 of 1,613,990 alleles (0.00025%); highest among the groups gnomAD compares: Non-Finnish European, 0.00034%; no homozygotes.

Submissions (2):

Dasa
Classification: Uncertain significance. Last evaluated: 2026-03-16. Review status: criteria provided, single submitter. Criteria: DASA Assertion Criteria. Collection method: clinical testing. Allele origin: germline.
Comment: NM_004958.4(MTOR):c.4999-15T>G is an intronic variant. This variant is rare in population databases. The currently available literature and clinical evidence are not sufficient to establish a definitive association between this variant and the reported condition. Therefore, this variant is classified as a variant of uncertain significance.

Labcorp Genetics (formerly Invitae), Labcorp
Classification: Likely benign. Last evaluated: 2024-10-29. Review status: criteria provided, single submitter. Criteria: Invitae Variant Classification Sherloc (09022015). Collection method: clinical testing. Allele origin: germline.

NM_004958.4(MTOR):c.4999-15T>G

Gene: MTOR (mechanistic target of rapamycin kinase; minus strand). Cytogenetic location: 1p36.22.
Variant type: single nucleotide variant.
Coding change: c.4999-15T>G on transcript NM_004958.4 (MANE Select); 15 bases into the intron before coding-DNA position 4999, T replaced by G.
Molecular consequence: intron variant.
Genome position (GRCh38, 1-based): chr1:11,139,450, A>C on the plus strand (T>G on the coding strand, the complement: MTOR is on the minus strand). VCF-style: chr1-11139450-A-C. GRCh37 (hg19) VCF-style: chr1-11199507-A-C.
Other names: c.3751-15T>G (NM_001386501.1); c.4999-15T>G (NM_001386500.1).
Identifiers: ClinVar variation 1612249 (VCV001612249.10), dbSNP rs747640639, ClinGen allele CA589470.